The following is an entry in ClinVar:

NM_033026.6(PCLO):c.1141C>G (p.Pro381Ala)

Gene: PCLO (piccolo presynaptic cytomatrix protein; minus strand). Cytogenetic location: 7q21.11.
Variant type: single nucleotide variant.
Coding change: c.1141C>G on transcript NM_033026.6 (MANE Select); coding-DNA position 1141, C replaced by G.
Protein change: p.Pro381Ala; replaces proline 381 with alanine.
Molecular consequence: missense variant.
Genome position (GRCh38, 1-based): chr7:83,155,500, G>C on the plus strand (C>G on the coding strand, the complement: PCLO is on the minus strand). VCF-style: chr7-83155500-G-C. GRCh37 (hg19) VCF-style: chr7-82784816-G-C.
Other names: c.1141C>G, p.Pro381Ala (NM_014510.3); short protein forms P381A.
Identifiers: ClinVar variation 1502723 (VCV001502723.8), dbSNP rs764347421, ClinGen allele CA4321516.

ClinVar aggregate classification (germline): Uncertain significance (1 of 4 stars; one submission).

Allele frequency attached by ClinVar (database versions not stated): gnomAD exomes below 0.00001 and 0.00001; TOPMed below 0.00001; gnomAD 0.00001; ExAC 0.00002.
gnomAD v4.1: 7 of 1,612,894 alleles (0.00043%); highest among the groups gnomAD compares: Admixed American, 0.005%; no homozygotes.

Submission:

Labcorp Genetics (formerly Invitae), Labcorp
Classification: Uncertain significance. Last evaluated: 2021-01-15. Review status: criteria provided, single submitter. Criteria: Invitae Variant Classification Sherloc (09022015). Collection method: clinical testing. Allele origin: germline.
Comment: This variant has not been reported in the literature in individuals with PCLO-related conditions. Algorithms developed to predict the effect of missense changes on protein structure and function are either unavailable or do not agree on the potential impact of this missense change (SIFT: "Deleterious"; PolyPhen-2: "Not Available"; Align-GVGD: "Class C0"). In summary, the available evidence is currently insufficient to determine the role of this variant in disease. Therefore, it has been classified as a Variant of Uncertain Significance. This variant is present in population databases (rs764347421, ExAC 0.02%). This sequence change replaces proline with alanine at codon 381 of the PCLO protein (p.Pro381Ala). The proline residue is weakly conserved and there is a small physicochemical difference between proline and alanine.